The following is an entry in ClinVar:

NM_000257.4(MYH7):c.3539A>C (p.Glu1180Ala)

Gene: MYH7 (myosin heavy chain 7; minus strand). Cytogenetic location: 14q11.2.
Variant type: single nucleotide variant.
Coding change: c.3539A>C on transcript NM_000257.4 (MANE Select); coding-DNA position 3539, A replaced by C.
Protein change: p.Glu1180Ala; replaces glutamic acid 1180 with alanine.
Molecular consequence: missense variant.
Genome position (GRCh38, 1-based): chr14:23,420,032, T>G on the plus strand (A>C on the coding strand, the complement: MYH7 is on the minus strand). VCF-style: chr14-23420032-T-G. GRCh37 (hg19) VCF-style: chr14-23889241-T-G.
Other names: c.3539A>C, p.Glu1180Ala (NM_001407004.1); short protein forms E1180A.
Identifiers: ClinVar variation 2773920 (VCV002773920.5), dbSNP rs1314524948, ClinGen allele CA389043549.
Genomic context (GRCh38, chr14:23,420,032, plus strand): 5'-ACGCTGTCGGCGTGCTTCTTGCGCAGGGCCGCGGCAGTGGCCTCGTGCTGCAGCGTGGCC[T>G]CCTCCAGGTCCCGCCGCATCTTCTGGAACTCGGCCTCGCGCTTCTTGTTCATCTCGATCT-3'
Protein context (NP_000248.2, residues 1170-1190): EFQKMRRDLE[Glu1180Ala]ATLQHEATAA

ClinVar aggregate classification (germline): Uncertain significance. Review status: criteria provided, multiple submitters, no conflicts (2 of 4 stars). 3 submissions from 3 submitters: Uncertain significance (3). Last evaluated 2024-03-05.

Conditions:
Dilated cardiomyopathy 1S (CMD1S). Identifiers: Orphanet 154, Orphanet 54260, MedGen C1834481, MONDO:0013262, OMIM 613426.
Cardiomyopathy (CMYO). Also called: Cardiomyopathies. Identifiers: Orphanet 167848, MedGen C0878544, MONDO:0004994, HP:0001638. Inheritance: Various modes of inheritance.
Hypertrophic cardiomyopathy. Also called: HYPERTROPHIC MYOCARDIOPATHY. Identifiers: Orphanet 217569, MedGen C0007194, MeSH D002312, MONDO:0005045, HP:0001639.

Submissions (3):

Labcorp Genetics (formerly Invitae), Labcorp
Classification: Uncertain significance for Hypertrophic cardiomyopathy. Last evaluated: 2024-03-05. Review status: criteria provided, single submitter. Criteria: Invitae Variant Classification Sherloc (09022015). Collection method: clinical testing. Allele origin: germline.
Comment: This sequence change replaces glutamic acid, which is acidic and polar, with alanine, which is neutral and non-polar, at codon 1180 of the MYH7 protein (p.Glu1180Ala). This variant is present in population databases (no rsID available, gnomAD 0.003%). This variant has not been reported in the literature in individuals affected with MYH7-related conditions. Advanced modeling of protein sequence and biophysical properties (such as structural, functional, and spatial information, amino acid conservation, physicochemical variation, residue mobility, and thermodynamic stability) performed at Invitae indicates that this missense variant is expected to disrupt MYH7 protein function with a positive predictive value of 95%. In summary, the available evidence is currently insufficient to determine the role of this variant in disease. Therefore, it has been classified as a Variant of Uncertain Significance.

Color Diagnostics, LLC DBA Color Health
Classification: Uncertain significance for Cardiomyopathy. Last evaluated: 2023-03-28. Review status: criteria provided, single submitter. Criteria: ACMG Guidelines, 2015. Collection method: clinical testing. Allele origin: germline.
Comment: This missense variant replaces glutamic acid with alanine at codon 1180 of the MYH7 protein. Computational prediction suggests that this variant may have deleterious impact on protein structure and function (internally defined REVEL score threshold >= 0.7, PMID: 27666373). To our knowledge, functional studies have not been reported for this variant. This variant has not been reported in individuals affected with MYH7-related disorders in the literature. This variant has been identified in 1/209064 chromosomes in the general population by the Genome Aggregation Database (gnomAD). The available evidence is insufficient to determine the role of this variant in disease conclusively. Therefore, this variant is classified as a Variant of Uncertain Significance.

Neuberg Centre For Genomic Medicine, NCGM
Classification: Uncertain significance for Dilated cardiomyopathy 1S. Review status: criteria provided, single submitter. Criteria: ACMG Guidelines, 2015. Collection method: clinical testing. Allele origin: germline. Inheritance: Autosomal dominant inheritance. Affected: yes.
Comment: The missense variant c.3539A>Cp.Glu1180Ala in MYH7 gene has not been reported previously as a pathogenic variant nor as a benign variant, to our knowledge. The variant is reported with 0.005% allele frequency in gnomAD Exomes and is novel not in any individuals in 1000 Genomes.The amino acid Glutamic acid at position 1180 is changed to a Alanine changing protein sequence and it might alter its composition and physico-chemical properties. The variant is predicted to be damaging by SIFT. The amino acid change p.Glu1180Ala in MYH7 is predicted as conserved by GERP++ and PhyloP across 100 vertebrates. For these reasons, this variant has been classified as Uncertain Significance.